The following is an entry in ClinVar:

ClinVar aggregate classification (germline): Uncertain significance (1 of 4 stars; one submission).

Submission:

Labcorp Genetics (formerly Invitae), Labcorp
Classification: Uncertain significance. Last evaluated: 2022-07-19. Review status: criteria provided, single submitter. Criteria: Invitae Variant Classification Sherloc (09022015). Collection method: clinical testing. Allele origin: germline.
Comment: Algorithms developed to predict the effect of missense changes on protein structure and function are either unavailable or do not agree on the potential impact of this missense change (SIFT: "Deleterious"; PolyPhen-2: "Benign"; Align-GVGD: "Class C15"). This sequence change replaces threonine, which is neutral and polar, with isoleucine, which is neutral and non-polar, at codon 1178 of the DSCAML1 protein (p.Thr1178Ile). This variant is not present in population databases (gnomAD no frequency). This variant has not been reported in the literature in individuals affected with DSCAML1-related conditions. In summary, the available evidence is currently insufficient to determine the role of this variant in disease. Therefore, it has been classified as a Variant of Uncertain Significance.

NM_020693.4(DSCAML1):c.3353C>T (p.Thr1118Ile)

Gene: DSCAML1 (DS cell adhesion molecule like 1; minus strand). Cytogenetic location: 11q23.3.
Variant type: single nucleotide variant.
Coding change: c.3353C>T on transcript NM_020693.4 (MANE Select); coding-DNA position 3353, C replaced by T.
Protein change: p.Thr1118Ile; replaces threonine 1118 with isoleucine.
Molecular consequence: missense variant.
Genome position (GRCh38, 1-based): chr11:117,461,509, G>A on the plus strand (C>T on the coding strand, the complement: DSCAML1 is on the minus strand). VCF-style: chr11-117461509-G-A. GRCh37 (hg19) VCF-style: chr11-117332225-G-A.
Other names: short protein forms T1118I.
Identifiers: ClinVar variation 2073713 (VCV002073713.4), dbSNP rs2543095398, ClinGen allele CA382736703.